The following is an entry in ClinVar:

ClinVar aggregate classification (germline): Uncertain significance (1 of 4 stars; one submission).

Submission:

Labcorp Genetics (formerly Invitae), Labcorp
Classification: Uncertain significance. Last evaluated: 2024-02-17. Review status: criteria provided, single submitter. Criteria: Invitae Variant Classification Sherloc (09022015). Collection method: clinical testing. Allele origin: germline.
Comment: This sequence change replaces isoleucine, which is neutral and non-polar, with asparagine, which is neutral and polar, at codon 322 of the SEPT9 protein (p.Ile322Asn). This variant is not present in population databases (gnomAD no frequency). This variant has not been reported in the literature in individuals affected with SEPT9-related conditions. ClinVar contains an entry for this variant (Variation ID: 1682633). Advanced modeling of protein sequence and biophysical properties (such as structural, functional, and spatial information, amino acid conservation, physicochemical variation, residue mobility, and thermodynamic stability) performed at Invitae indicates that this missense variant is not expected to disrupt SEPT9 protein function with a negative predictive value of 80%. In summary, the available evidence is currently insufficient to determine the role of this variant in disease. Therefore, it has been classified as a Variant of Uncertain Significance.

NM_001113491.2(SEPTIN9):c.1019T>A (p.Ile340Asn)

Gene: SEPTIN9 (septin 9; plus strand). Cytogenetic location: 17q25.3.
Variant type: single nucleotide variant.
Coding change: c.1019T>A on transcript NM_001113491.2 (MANE Select); coding-DNA position 1019, T replaced by A.
Protein change: p.Ile340Asn; replaces isoleucine 340 with asparagine.
Molecular consequence: missense variant.
Genome position (GRCh38, 1-based): chr17:77,487,529, T>A. VCF-style: chr17-77487529-T-A. GRCh37 (hg19) VCF-style: chr17-75483611-T-A.
Other names: c.527T>A, p.Ile176Asn (NM_001113492.2, NM_001113494.1); c.998T>A, p.Ile333Asn (NM_001113493.2); c.266T>A, p.Ile89Asn (NM_001113495.2, NM_001113496.2, NM_001293697.2 and 1 more transcripts); c.962T>A, p.Ile321Asn (NM_001293695.2); c.347T>A, p.Ile116Asn (NM_001293696.2); c.965T>A, p.Ile322Asn (NM_006640.5); short protein forms I116N, I176N, I321N, I322N, I333N, I340N, I89N.
Identifiers: ClinVar variation 1682633 (VCV001682633.7), dbSNP rs1191234463, ClinGen allele CA401208803.